The following is an entry in ClinVar:

NM_138694.4(PKHD1):c.9970A>G (p.Lys3324Glu)

Gene: PKHD1 (PKHD1 ciliary IPT domain containing fibrocystin/polyductin; minus strand). Cytogenetic location: 6p12.3.
Variant type: single nucleotide variant.
Coding change: c.9970A>G on transcript NM_138694.4 (MANE Select); coding-DNA position 9970, A replaced by G.
Protein change: p.Lys3324Glu; replaces lysine 3324 with glutamic acid.
Molecular consequence: missense variant.
Genome position (GRCh38, 1-based): chr6:51,746,749, T>C on the plus strand (A>G on the coding strand, the complement: PKHD1 is on the minus strand). VCF-style: chr6-51746749-T-C. GRCh37 (hg19) VCF-style: chr6-51611547-T-C.
Other names: c.9970A>G, p.Lys3324Glu (NM_170724.3); short protein forms K3324E.
Identifiers: ClinVar variation 1034261 (VCV001034261.1), dbSNP rs1785240656, ClinGen allele CA364419245.

ClinVar aggregate classification (germline): Uncertain significance (1 of 4 stars; one submission).

Conditions:
Polycystic kidney disease 4 (PKD4). Also called: POLYCYSTIC KIDNEY AND HEPATIC DISEASE 1; POLYCYSTIC KIDNEY DISEASE, INFANTILE, TYPE I; POLYCYSTIC KIDNEY DISEASE 4 WITH OR WITHOUT POLYCYSTIC LIVER DISEASE; Autosomal Recessive Polycystic Kidney Disease – PKHD1; PKD3. Identifiers: MedGen C4540575, MONDO:0033004, OMIM 263200.

Allele frequency attached by ClinVar (database versions not stated): gnomAD exomes below 0.00001.
gnomAD v4.1: 1 of 1,609,528 alleles (0.000062%); highest among the groups gnomAD compares: Non-Finnish European, 0.000085%; no homozygotes.

Submission:

Baylor Genetics
Classification: Uncertain significance for Polycystic kidney disease 4. Last evaluated: 2018-04-25. Review status: criteria provided, single submitter. Criteria: ACMG Guidelines, 2015. Collection method: clinical testing. Allele origin: paternal. Affected: yes.
Comment: This variant was determined to be of uncertain significance according to ACMG Guidelines, 2015 [PMID:25741868].